The following is an entry in ClinVar:

NM_001098.3(ACO2):c.424C>T (p.Arg142Trp)

Gene: ACO2 (aconitase 2; plus strand). Cytogenetic location: 22q13.2.
Variant type: single nucleotide variant.
Coding change: c.424C>T on transcript NM_001098.3 (MANE Select); coding-DNA position 424, C replaced by T.
Protein change: p.Arg142Trp; replaces arginine 142 with tryptophan.
Molecular consequence: missense variant.
Genome position (GRCh38, 1-based): chr22:41,508,041, C>T. VCF-style: chr22-41508041-C-T. GRCh37 (hg19) VCF-style: chr22-41904045-C-T.
Other names: short protein forms R142W.
Identifiers: ClinVar variation 937993 (VCV000937993.12), dbSNP rs779868128, ClinGen allele CA10257345.
Genomic context (GRCh38, chr22:41,508,041, plus strand): 5'-TCCACCATCCACTGTGACCATCTGATTGAAGCCCAGGTTGGGGGCGAGAAAGACCTGCGC[C>T]GGGCCAAGGTGAGCAGAAGGTGGCTTTGGGGGTGGGCAAGTGGGCAAGACTGGGCGAGAG-3'
Protein context (NP_001089.1, residues 132-152): AQVGGEKDLR[Arg142Trp]AKDINQEVYN

ClinVar aggregate classification (germline): Uncertain significance. Review status: criteria provided, multiple submitters, no conflicts (2 of 4 stars). 3 submissions from 3 submitters: Uncertain significance (3). Last evaluated 2024-09-19.

Allele frequency attached by ClinVar (database versions not stated): ExAC 0.00001; gnomAD exomes 0.00001 and 0.00002; TOPMed 0.00002; gnomAD 0.00007 and 0.00008.
gnomAD v4.1: 35 of 1,608,964 alleles (0.0022%); highest among the groups gnomAD compares: Middle Eastern, 0.033%; no homozygotes.

Submissions (3):

Blueprint Genetics
Classification: Uncertain significance. Last evaluated: 2024-09-19. Review status: criteria provided, single submitter. Criteria: ACMG Guidelines, 2015. Collection method: clinical testing. Allele origin: germline.

Labcorp Genetics (formerly Invitae), Labcorp
Classification: Uncertain significance. Last evaluated: 2023-08-25. Review status: criteria provided, single submitter. Criteria: Invitae Variant Classification Sherloc (09022015). Collection method: clinical testing. Allele origin: germline.
Comment: In summary, the available evidence is currently insufficient to determine the role of this variant in disease. Therefore, it has been classified as a Variant of Uncertain Significance. Advanced modeling of protein sequence and biophysical properties (such as structural, functional, and spatial information, amino acid conservation, physicochemical variation, residue mobility, and thermodynamic stability) performed at Invitae indicates that this missense variant is expected to disrupt ACO2 protein function. ClinVar contains an entry for this variant (Variation ID: 937993). This variant has not been reported in the literature in individuals affected with ACO2-related conditions. This variant is present in population databases (rs779868128, gnomAD 0.008%). This sequence change replaces arginine, which is basic and polar, with tryptophan, which is neutral and slightly polar, at codon 142 of the ACO2 protein (p.Arg142Trp).

Revvity Omics, Revvity
Classification: Uncertain significance. Last evaluated: 2023-03-01. Review status: criteria provided, single submitter. Criteria: ACMG Guidelines, 2015. Collection method: clinical testing. Allele origin: germline.